The following is an entry in ClinVar:

ClinVar aggregate classification (germline): Likely pathogenic (1 of 4 stars; one submission).

Conditions:
Developmental and epileptic encephalopathy, 32 (DEE32). Also called: Epileptic encephalopathy, early infantile, 32. Identifiers: Orphanet 442835, MedGen C4225350, MONDO:0014607, OMIM 616366.

Submission:

Labcorp Genetics (formerly Invitae), Labcorp
Classification: Likely pathogenic for Developmental and epileptic encephalopathy, 32. Last evaluated: 2020-07-23. Review status: criteria provided, single submitter. Criteria: Invitae Variant Classification Sherloc (09022015). Collection method: clinical testing. Allele origin: germline.
Comment: This variant is not present in population databases (ExAC no frequency). This variant has been observed in individual(s) with clinical features of KCNA2-related disorders (Invitae). In at least one individual the variant was observed to be de novo. Algorithms developed to predict the effect of missense changes on protein structure and function (SIFT, PolyPhen-2, Align-GVGD) all suggest that this variant is likely to be disruptive, but these predictions have not been confirmed by published functional studies and their clinical significance is uncertain. In summary, the currently available evidence indicates that the variant is pathogenic, but additional data are needed to prove that conclusively. Therefore, this variant has been classified as Likely Pathogenic. This sequence change replaces arginine with serine at codon 300 of the KCNA2 protein (p.Arg300Ser). The arginine residue is highly conserved and there is a moderate physicochemical difference between arginine and serine.

NM_004974.4(KCNA2):c.900A>T (p.Arg300Ser)

Gene: KCNA2 (potassium voltage-gated channel subfamily A member 2; minus strand). Cytogenetic location: 1p13.3.
Variant type: single nucleotide variant.
Coding change: c.900A>T on transcript NM_004974.4 (MANE Select); coding-DNA position 900, A replaced by T.
Protein change: p.Arg300Ser; replaces arginine 300 with serine.
Molecular consequence: missense variant. On other transcripts: intron variant (1).
Genome position (GRCh38, 1-based): chr1:110,603,883, T>A on the plus strand (A>T on the coding strand, the complement: KCNA2 is on the minus strand). VCF-style: chr1-110603883-T-A. GRCh37 (hg19) VCF-style: chr1-111146505-T-A.
Other names: c.894+6A>T (NM_001204269.2); short protein forms R300S.
Identifiers: ClinVar variation 1066046 (VCV001066046.9), dbSNP rs2101398595, ClinGen allele CA341602853.